The following is an entry in ClinVar:

NM_017780.4(CHD7):c.8569T>G (p.Ser2857Ala)

Gene: CHD7 (chromodomain helicase DNA binding protein 7; plus strand). Cytogenetic location: 8q12.2.
Variant type: single nucleotide variant.
Coding change: c.8569T>G on transcript NM_017780.4 (MANE Select); coding-DNA position 8569, T replaced by G.
Protein change: p.Ser2857Ala; replaces serine 2857 with alanine.
Molecular consequence: missense variant.
Genome position (GRCh38, 1-based): chr8:60,865,508, T>G. VCF-style: chr8-60865508-T-G. GRCh37 (hg19) VCF-style: chr8-61778067-T-G.
Other names: c.2422T>G, p.Ser808Ala (NM_001316690.1); short protein forms S2857A, S808A.
Identifiers: ClinVar variation 3703374 (VCV003703374.2).

ClinVar aggregate classification (germline): Uncertain significance (1 of 4 stars; one submission).

Conditions:
CHARGE syndrome (CHARGE). Also called: Hittner Hirsch Kreh syndrome; CHARGE ASSOCIATION--COLOBOMA, HEART ANOMALY, CHOANAL ATRESIA, RETARDATION, GENITAL AND EAR ANOMALIES; Coloboma, heart anomaly, choanal atresia, retardation, genital and ear anomalies; CHARGE association; Hall-Hittner syndrome. Identifiers: Orphanet 138, MedGen C0265354, MONDO:0008965.

Submission:

Labcorp Genetics (formerly Invitae), Labcorp
Classification: Uncertain significance for CHARGE syndrome. Last evaluated: 2024-11-04. Review status: criteria provided, single submitter. Criteria: Invitae Variant Classification Sherloc (09022015). Collection method: clinical testing. Allele origin: germline.
Comment: This sequence change replaces serine, which is neutral and polar, with alanine, which is neutral and non-polar, at codon 2857 of the CHD7 protein (p.Ser2857Ala). This variant is not present in population databases (gnomAD no frequency). This variant has not been reported in the literature in individuals affected with CHD7-related conditions. Invitae Evidence Modeling of protein sequence and biophysical properties (such as structural, functional, and spatial information, amino acid conservation, physicochemical variation, residue mobility, and thermodynamic stability) indicates that this missense variant is not expected to disrupt CHD7 protein function with a negative predictive value of 95%. In summary, the available evidence is currently insufficient to determine the role of this variant in disease. Therefore, it has been classified as a Variant of Uncertain Significance.